The following is an entry in ClinVar:

ClinVar aggregate classification (germline): Likely pathogenic (1 of 4 stars; one submission).

Conditions:
Leprechaunism syndrome. Also called: Donohue syndrome; LEPRECHAUNISM. Identifiers: Orphanet 508, MedGen C0265344, MONDO:0009517, OMIM 246200.

Submission:

MVZ Medizinische Genetik Mainz
Classification: Likely pathogenic for Leprechaunism syndrome. Last evaluated: 2024-08-23. Review status: criteria provided, single submitter. Criteria: UK Practice Guidelines For Variant Classification V4 01 2020. Collection method: clinical testing. Allele origin: germline. Inheritance: Autosomal recessive inheritance. Affected: yes. Observed: 1 variant allele.
Comment: ACMG Criteria: PP3_MOD,PM2_SUP,PM3_SUP,PP2,PP4

NM_000208.4(INSR):c.3498G>C (p.Met1166Ile)

Gene: INSR (insulin receptor; minus strand). Cytogenetic location: 19p13.2.
Variant type: single nucleotide variant.
Coding change: c.3498G>C on transcript NM_000208.4 (MANE Select); coding-DNA position 3498, G replaced by C.
Protein change: p.Met1166Ile; replaces methionine 1166 with isoleucine.
Molecular consequence: missense variant.
Genome position (GRCh38, 1-based): chr19:7,122,645, C>G on the plus strand (G>C on the coding strand, the complement: INSR is on the minus strand). VCF-style: chr19-7122645-C-G. GRCh37 (hg19) VCF-style: chr19-7122656-C-G.
Other names: c.3462G>C, p.Met1154Ile (NM_001079817.3); short protein forms M1154I, M1166I.
Identifiers: ClinVar variation 3342292 (VCV003342292.1).